The following is an entry in ClinVar:

NM_001042492.3(NF1):c.388C>A (p.His130Asn)

Gene: NF1 (neurofibromin 1; plus strand). Cytogenetic location: 17q11.2.
Variant type: single nucleotide variant.
Coding change: c.388C>A on transcript NM_001042492.3 (MANE Select); coding-DNA position 388, C replaced by A.
Protein change: p.His130Asn; replaces histidine 130 with asparagine.
Molecular consequence: missense variant.
Genome position (GRCh38, 1-based): chr17:31,163,285, C>A. VCF-style: chr17-31163285-C-A. GRCh37 (hg19) VCF-style: chr17-29490303-C-A.
Other names: c.388C>A, p.His130Asn (NM_000267.4, NM_001128147.3); short protein forms H130N.
Identifiers: ClinVar variation 4813193 (VCV004813193.1).
Genomic context (GRCh38, chr17:31,163,285, plus strand): 5'-GTCAAACAGTTGCTGCCAGAAATCTGCCATTTTCTTCACACCTGTCGTGAAGGAAACCAG[C>A]ATGCAGCTGAACTTCGGAATTCTGCCTCTGGGGTTTTATTTTCTCTCAGCTGCAACAACT-3'
Protein context (NP_001035957.1, residues 120-140): FLHTCREGNQ[His130Asn]AAELRNSASG

ClinVar aggregate classification (germline): Uncertain significance (1 of 4 stars; one submission).

Conditions:
Neurofibromatosis, type 1 (NF1). Also called: Peripheral type neurofibromatosis; Neurofibromatosis, type I; NEUROFIBROMATOSIS, TYPE I, SOMATIC; VON RECKLINGHAUSEN DISEASE. Identifiers: Orphanet 636, MedGen C0027831, MONDO:0018975, OMIM 162200. Disease mechanism: loss of function.

Submission:

St. Jude Molecular Pathology, St. Jude Children's Research Hospital
Classification: Uncertain significance for Neurofibromatosis, type 1. Last evaluated: 2026-02-20. Review status: criteria provided, single submitter. Criteria: St. Jude Assertion Criteria 2020. Collection method: clinical testing. Allele origin: germline.
Comment: The NF1 c.388C>A p.(His130Asn) missense change is absent in gnomAD v2.1.1. The in silico tool REVEL is inconclusive about a pathogenic or benign effect of this vari ant on protein function, and to our knowledge functional studies have not been performed. To our knowledge, this variant has not been reported in individuals with Neurofibromatosis type 1. In summary, the evidence currently available is insufficient to determine the clinical significance of this variant. It has therefore been classified as of uncertain significance.